The following is an entry in ClinVar:

NM_024642.5(GALNT12):c.542-7T>C

Gene: GALNT12 (polypeptide N-acetylgalactosaminyltransferase 12; plus strand). Cytogenetic location: 9q22.33.
Variant type: single nucleotide variant.
Coding change: c.542-7T>C on transcript NM_024642.5 (MANE Select); 7 bases into the intron before coding-DNA position 542, T replaced by C.
Molecular consequence: intron variant.
Genome position (GRCh38, 1-based): chr9:98,826,745, T>C. VCF-style: chr9-98826745-T-C. GRCh37 (hg19) VCF-style: chr9-101589027-T-C.
Identifiers: ClinVar variation 4875717 (VCV004875717.1).

ClinVar aggregate classification (germline): Likely benign (1 of 4 stars; one submission).

Conditions:
Colorectal cancer, susceptibility to, 1. Also called: COLORECTAL ADENOMA AND CANCER, SUSCEPTIBILITY TO; COLORECTAL CANCER, SUSCEPTIBILITY TO, ON CHROMOSOME 9. Identifiers: MedGen C1837315, MONDO:0012132, OMIM 608812.

gnomAD v4.1: 2 of 1,610,252 alleles (0.00012%); highest among the groups gnomAD compares: Non-Finnish European, 0.00017%; no homozygotes.

Submission:

Myriad Genetics, Inc.
Classification: Likely benign for Colorectal cancer, susceptibility to, 1. Last evaluated: 2026-04-21. Review status: criteria provided, single submitter. Criteria: Myriad Autosomal Dominant, Autosomal Recessive and X-Linked Classification Criteria (2023). Collection method: clinical testing. Allele origin: unknown.
Comment: This variant is considered likely benign. This variant is intronic and is not expected to impact mRNA splicing.